The following is an entry in ClinVar:

ClinVar aggregate classification (germline): not provided (0 of 4 stars; one submission).

Conditions:
Gestational diabetes mellitus uncontrolled. Identifiers: MedGen C3532257.

Submission:

Institute of Molecular and Cell Biology, University of Tartu
No classification provided. Condition: Gestational diabetes mellitus uncontrolled. Review status: no classification provided. Collection method: case-control. Allele origin: unknown. Affected: yes. Study: Kasak2014.
Comment: The study aimed to determine the contribution of copy number variants in the genetic etiology of normal and complicated pregnancies. The samples represented (i) maternal blood DNA drawn from healthy pregnant women during 1st or 2nd trimester and (ii) maternal and paternal blood DNA drawn at term pregnancy cases representing normal and complicated gestations (severe preeclampsia, PE; gestational diabetes, GD; small-for-gestational age newborn, SGA; large-for-gestational age newborn, LGA). We performed CNV calling based on genome-wide genotyping dataset (Illumina HumanOmniExpress-24-v1 BeadChip) by applying three algorithms, QuantiSNP, GADA (Genome Alteration Detection Algorithm) and CNstream in parallel. The acquired CNV calls were merged with HD-CNV (Hotspot Detector for Copy Number Variants) program and only the CNVs predicted by at least two programs, were considered in subsequent analysis.

Literature cited by the submitters: PubMed 25666259.

Single allele

Genes: PSG1 (pregnancy specific beta-1-glycoprotein 1; minus strand), PSG11 (pregnancy specific beta-1-glycoprotein 11; minus strand), PSG2 (pregnancy specific beta-1-glycoprotein 2; minus strand), PSG4 (pregnancy specific beta-1-glycoprotein 4; minus strand), PSG5 (pregnancy specific beta-1-glycoprotein 5; minus strand) and 3 more. Cytogenetic location: 19q13.2-13.31.
Variant type: Deletion.
Identifiers: ClinVar variation 157453 (VCV000157453.2).